The following is an entry in ClinVar:

ClinVar aggregate classification (germline): Likely pathogenic. Review status: criteria provided, multiple submitters, no conflicts (2 of 4 stars). 2 submissions from 2 submitters: Likely pathogenic (2). Last evaluated 2022-12-16.

Conditions:
Primary ciliary dyskinesia 5. Also called: CILIARY DYSKINESIA, PRIMARY, 5, WITHOUT SITUS INVERSUS. Identifiers: Orphanet 244, MedGen C1837615, MONDO:0012088, OMIM 608647.

Submissions (2):

Diagnostics Services (NGS), CSIR - Centre For Cellular And Molecular Biology
Classification: Likely pathogenic for Primary ciliary dyskinesia 5. Last evaluated: 2022-12-16. Review status: criteria provided, single submitter. Criteria: ACMG Guidelines, 2015. Collection method: clinical testing. Allele origin: unknown. Affected: no. Observed: 2 variant alleles, 2 heterozygotes.
Comment: The c.11712delT variant was identified as a part of carrier screening in a couple. This variant is not present in publicly available population databases like 1000 Genomes, EVS, ExAC, gnomAD, Indian exome database & our in-house exome database. This variant has been previously associated with Joubert syndrome in published literature [PMID: 28512736] however not reported to any clinical databases like ClinVar, Human Genome Mutation Database (HGMD) or OMIM. In silico pathogenicity prediction programs like MutationTaster2, CADD, Varsome, Franklin etc. predicted this variant to be likely deleterious. The variant causes frameshift at the 3905th amino acid position of the original transcript which creates a premature translational stop signal in the altered transcript that may either result in translation of a truncated protein or cause nonsense mediated decay of the mRNA.

Neuberg Centre For Genomic Medicine, NCGM
Classification: Likely pathogenic for Primary ciliary dyskinesia 5. Review status: criteria provided, single submitter. Criteria: ACMG Guidelines, 2015. Collection method: clinical testing. Allele origin: germline. Inheritance: Autosomal recessive inheritance. Affected: yes.
Comment: The frameshift c.11712del (p.Gln3905ArgfsTer5) variant in the HYDIN gene has been previously associated with Joubert syndrome (Pal, Lipika R et al., 2017). This variant is absent in the gnomAD Exomes and 1000 Genomes. It is submitted to ClinVar as Likely Pathogenic. This variant causes a frameshift starting with codon Glutamine 3905, changes this amino acid to Arginine residue, and creates a premature Stop codon at position 5 of the new reading frame, denoted p.Gln3905ArgfsTer5. This variant is predicted to cause loss of normal protein function through protein truncation. Loss of function variants have been previously reported to be disease causing. For these reasons, this variant has been classified as Likely Pathogenic.

Literature cited by the submitters: PubMed 28512736 (cited by Diagnostics Services (NGS), CSIR - Centre For Cellular And Molecular Biology).

NM_001270974.2(HYDIN):c.11712del (p.Gln3905fs)

Gene: HYDIN (HYDIN axonemal central pair apparatus protein; minus strand). Cytogenetic location: 16q22.2.
Variant type: Deletion.
Coding change: c.11712del on transcript NM_001270974.2 (MANE Select); coding-DNA position 11712, one base deleted (T; older notation c.11712delT).
Protein change: p.Gln3905fs; shifts the reading frame from glutamine 3905.
Molecular consequence: frameshift variant.
Genome position (GRCh38, 1-based): chr16:70,862,113, A deleted on the plus strand (T on the coding strand, the reverse complement: HYDIN is on the minus strand); the first of 2 consecutive A bases (chr16:70,862,113-70,862,114); deleting either gives the same sequence. VCF-style (leftmost placement, unchanged base first): chr16-70862112-GA-G. GRCh37 (hg19) VCF-style: chr16-70896015-GA-G.
Other names: short protein forms Q3905fs.
Identifiers: ClinVar variation 1806491 (VCV001806491.6), dbSNP rs11337008, ClinGen allele CA283511867.